The following is an entry in ClinVar:

ClinVar aggregate classification (germline): Uncertain significance. Review status: criteria provided, multiple submitters, no conflicts (2 of 4 stars). 3 submissions from 3 submitters: Uncertain significance (3). Last evaluated 2025-12-17.

Conditions:
Cardiovascular phenotype. Identifiers: MedGen CN230736.
Hypertrophic cardiomyopathy 20. Identifiers: MedGen C3151267, MONDO:0013477, OMIM 613876.
Dilated cardiomyopathy 1CC (CMD1CC). Identifiers: Orphanet 154, MedGen C2751084, MONDO:0013147, OMIM 613122.

Allele frequency attached by ClinVar (database versions not stated): gnomAD exomes 0.00001 and 0.00005; TOPMed 0.00002; gnomAD 0.00003.
gnomAD v4.1: 73 of 1,613,678 alleles (0.0045%); highest among the groups gnomAD compares: Non-Finnish European, 0.0059%; no homozygotes.

Submissions (3):

Labcorp Genetics (formerly Invitae), Labcorp
Classification: Uncertain significance for Dilated cardiomyopathy 1CC; Hypertrophic cardiomyopathy 20. Last evaluated: 2025-12-17. Review status: criteria provided, single submitter. Criteria: Invitae Variant Classification Sherloc (09022015). Collection method: clinical testing. Allele origin: germline.
Comment: This sequence change falls in intron 5 of the NEXN gene. It does not directly change the encoded amino acid sequence of the NEXN protein. It affects a nucleotide within the consensus splice site. This variant is present in population databases (rs727503343, gnomAD 0.002%). This variant has not been reported in the literature in individuals affected with NEXN-related conditions. ClinVar contains an entry for this variant (Variation ID: 164784). Variants that disrupt the consensus splice site are a relatively common cause of aberrant splicing (PMID: 17576681, 9536098). Algorithms developed to predict the effect of sequence changes on RNA splicing suggest that this variant is not likely to affect RNA splicing. In summary, the available evidence is currently insufficient to determine the role of this variant in disease. Therefore, it has been classified as a Variant of Uncertain Significance.

Ambry Genetics
Classification: Uncertain significance for Cardiovascular phenotype. Last evaluated: 2019-03-01. Review status: criteria provided, single submitter. Criteria: Ambry Variant Classification Scheme 2023. Collection method: clinical testing. Allele origin: germline.
Comment: The c.447+5C>T intronic variant results from a C to T substitution 5 nucleotides after coding exon 4 in the NEXN gene. This nucleotide position is not well conserved in available vertebrate species. Using the BDGP and ESEfinder splice site prediction tools, this alteration is not predicted to have any significant effect on this splice acceptor/donor site; however, direct evidence is unavailable. Since supporting evidence is limited at this time, the clinical significance of this alteration remains unclear.

Laboratory for Molecular Medicine, Mass General Brigham Personalized Medicine
Classification: Uncertain significance. Last evaluated: 2014-01-28. Review status: criteria provided, single submitter. Criteria: LMM Criteria. Collection method: clinical testing. Allele origin: germline. Observed: 1 variant allele.
Comment: The 447+5C>T variant in NEXN has not been reported in individuals with cardiomyo pathy or in large population studies. This variant is located in the 5' splice r egion. Computational tools do not suggest an impact to splicing. However, this i nformation is not predictive enough to rule out pathogenicity. Additional inform ation is needed to fully assess the clinical significance of the 447+5C>T varian t.

Literature cited by the submitters: PubMed 17576681 (cited by Labcorp Genetics (formerly Invitae), Labcorp); PubMed 9536098 (cited by Labcorp Genetics (formerly Invitae), Labcorp).

NM_144573.4(NEXN):c.447+5C>T

Genes: NEXN (nexilin F-actin binding protein; plus strand), LOC126805765 (BRD4-independent group 4 enhancer GRCh37_chr1:78383688-78384887; plus strand). Cytogenetic location: 1p31.1.
Variant type: single nucleotide variant.
Coding change: c.447+5C>T on transcript NM_144573.4 (MANE Select); 5 bases into the intron after coding-DNA position 447, C replaced by T.
Molecular consequence: intron variant.
Genome position (GRCh38, 1-based): chr1:77,918,278, C>T. VCF-style: chr1-77918278-C-T. GRCh37 (hg19) VCF-style: chr1-78383963-C-T.
Other names: c.255+5C>T (NM_001172309.2).
Identifiers: ClinVar variation 164784 (VCV000164784.8), dbSNP rs727503343, ClinGen allele CA177487.